The following is an entry in ClinVar:

NM_032409.3(PINK1):c.131A>G (p.Glu44Gly)

Genes: MIR6084 (microRNA 6084; plus strand), PINK1 (PTEN induced kinase 1; plus strand). Cytogenetic location: 1p36.12.
Variant type: single nucleotide variant.
Coding change: c.131A>G on transcript NM_032409.3 (MANE Select); coding-DNA position 131, A replaced by G.
Protein change: p.Glu44Gly; replaces glutamic acid 44 with glycine.
Molecular consequence: missense variant. On other transcripts: non-coding transcript variant (1).
Genome position (GRCh38, 1-based): chr1:20,633,679, A>G. VCF-style: chr1-20633679-A-G. GRCh37 (hg19) VCF-style: chr1-20960172-A-G.
Other names: short protein forms E44G.
Identifiers: ClinVar variation 3388433 (VCV003388433.14).
Genomic context (GRCh38, chr1:20,633,679, plus strand): 5'-AGCCCGGCCGGGCCTACGGCTTGGGGCGGCCGGGCCCGGCGGCGGGCTGTGTCCGCGGGG[A>G]GCGTCCAGGCTGGGCCGCAGGACCGGGCGCGGAGCCTCGCAGGGTCGGGCTCGGGCTCCC-3'
Protein context (NP_115785.1, residues 34-54): PGPAAGCVRG[Glu44Gly]RPGWAAGPGA

ClinVar aggregate classification (germline): Uncertain significance (1 of 4 stars; one submission).

Submission:

CeGaT Center for Human Genetics Tuebingen
Classification: Uncertain significance. Last evaluated: 2024-09-01. Review status: criteria provided, single submitter. Criteria: CeGaT Center For Human Genetics Tuebingen Variant Classification Criteria Version 2. Collection method: clinical testing. Allele origin: germline. Affected: yes. Observed: 1 variant allele.
Comment: PINK1: PM2